The following is an entry in ClinVar:

ClinVar aggregate classification (germline): Benign (1 of 4 stars; one submission).

Allele frequency attached by ClinVar (database versions not stated): gnomAD 0.41389 and 0.42340; TOPMed 0.42292; gnomAD exomes 0.46356; 1000 Genomes Project 30x 0.50047; 1000 Genomes Project 0.50719.
gnomAD v4.1: 308,801 of 679,538 alleles (45%); highest among the groups gnomAD compares: East Asian, 79%; 73,217 homozygotes.

Submission:

GeneDx
Classification: Benign. Last evaluated: 2018-06-14. Review status: criteria provided, single submitter. Criteria: GeneDx Variant Classification (06012015). Collection method: clinical testing. Allele origin: germline. Affected: yes.
Comment: This variant is considered likely benign or benign based on one or more of the following criteria: it is a conservative change, it occurs at a poorly conserved position in the protein, it is predicted to be benign by multiple in silico algorithms, and/or has population frequency not consistent with disease.

NM_000337.6(SGCD):c.-43-130G>A

Gene: SGCD (sarcoglycan delta; plus strand). Cytogenetic location: 5q33.3.
Variant type: single nucleotide variant.
Coding change: c.-43-130G>A on transcript NM_000337.6 (MANE Select); 130 bases into the intron before 43 bases upstream of the start codon, G replaced by A.
Molecular consequence: intron variant.
Genome position (GRCh38, 1-based): chr5:156,329,404, G>A. VCF-style: chr5-156329404-G-A. GRCh37 (hg19) VCF-style: chr5-155756414-G-A.
Other names: c.-1+2172G>A (NM_001128209.2); c.-43-130G>A (NM_172244.3).
Identifiers: ClinVar variation 672529 (VCV000672529.1), dbSNP rs11740347, ClinGen allele CA15398931.